The following is an entry in ClinVar:

NM_031483.7(ITCH):c.2082G>C (p.Glu694Asp)

Gene: ITCH (itchy E3 ubiquitin protein ligase; plus strand). Cytogenetic location: 20q11.22.
Variant type: single nucleotide variant.
Coding change: c.2082G>C on transcript NM_031483.7 (MANE Select); coding-DNA position 2082, G replaced by C.
Protein change: p.Glu694Asp; replaces glutamic acid 694 with aspartic acid.
Molecular consequence: missense variant.
Genome position (GRCh38, 1-based): chr20:34,481,195, G>C. VCF-style: chr20-34481195-G-C. GRCh37 (hg19) VCF-style: chr20-33069000-G-C.
Other names: c.2205G>C, p.Glu735Asp (NM_001257137.3, NM_001324197.2); c.1752G>C, p.Glu584Asp (NM_001257138.3); c.2082G>C, p.Glu694Asp (NM_001324198.2); c.2082G>C (NM_031483.4); short protein forms E584D, E694D, E735D.
Identifiers: ClinVar variation 1450998 (VCV001450998.5), dbSNP rs377380158, ClinGen allele CA9821884.
Genomic context (GRCh38, chr20:34,481,195, plus strand): 5'-TAAGAGTCATGATCTGAAACCTAATGGTGGCAATATTCTTGTAACAGAAGAAAATAAAGA[G>C]GAATACATCAGGTGAGAGTGCTCCTTTTCACATTTCACTTTTTGTTTGACTACAGCACAT-3'
Protein context (NP_113671.3, residues 684-704): GNILVTEENK[Glu694Asp]EYIRMVAEWR

ClinVar aggregate classification (germline): Uncertain significance. Review status: criteria provided, multiple submitters, no conflicts (2 of 4 stars). 2 submissions from 2 submitters: Uncertain significance (2). Last evaluated 2025-07-14.

Conditions:
Inborn genetic diseases. Identifiers: MedGen C0950123, MeSH D030342.
Syndromic multisystem autoimmune disease due to ITCH deficiency. Also called: AUTOIMMUNE DISEASE, MULTISYSTEM, WITH FACIAL DYSMORPHISM. Identifiers: Orphanet 228426, MedGen C3150649, MONDO:0013245, OMIM 613385.

Allele frequency attached by ClinVar (database versions not stated): gnomAD exomes below 0.00001; ExAC 0.00001; gnomAD 0.00001; TOPMed 0.00002; ESP Exome Variant Server 0.00008.
gnomAD v4.1: 2 of 1,613,288 alleles (0.00012%); highest among the groups gnomAD compares: Admixed American, 0.0017%; no homozygotes.

Submissions (2):

Ambry Genetics
Classification: Uncertain significance for Inborn genetic diseases. Last evaluated: 2025-07-14. Review status: criteria provided, single submitter. Criteria: Ambry Variant Classification Scheme 2023. Collection method: clinical testing. Allele origin: germline.

Labcorp Genetics (formerly Invitae), Labcorp
Classification: Uncertain significance for Syndromic multisystem autoimmune disease due to ITCH deficiency. Last evaluated: 2025-05-21. Review status: criteria provided, single submitter. Criteria: Invitae Variant Classification Sherloc (09022015). Collection method: clinical testing. Allele origin: germline.
Comment: This sequence change replaces glutamic acid, which is acidic and polar, with aspartic acid, which is acidic and polar, at codon 694 of the ITCH protein (p.Glu694Asp). This variant is present in population databases (rs377380158, gnomAD 0.01%). This variant has not been reported in the literature in individuals affected with ITCH-related conditions. ClinVar contains an entry for this variant (Variation ID: 1450998). An algorithm developed to predict the effect of missense changes on protein structure and function (PolyPhen-2) suggests that this variant is likely to be tolerated. In summary, the available evidence is currently insufficient to determine the role of this variant in disease. Therefore, it has been classified as a Variant of Uncertain Significance.